The following is an entry in ClinVar:

ClinVar aggregate classification (germline): Conflicting classifications of pathogenicity. Review status: criteria provided, conflicting classifications (1 of 4 stars). 2 submissions from 2 submitters: Uncertain significance (1); Likely benign (1). Last evaluated 2024-11-16.

Conditions:
Hereditary cancer-predisposing syndrome. Also called: Tumor predisposition; Neoplastic Syndromes, Hereditary; Hereditary Cancer Syndrome; Hereditary neoplastic syndrome. Identifiers: Orphanet 140162, MedGen C0027672, MeSH D009386, MONDO:0015356.
Hereditary breast ovarian cancer syndrome. Also called: Hereditary breast and ovarian cancer syndrome (HBOC); Hereditary breast and ovarian cancer syndrome; Hereditary breast and ovarian cancer; Breast and ovarian cancer; BRCA1- and BRCA2-Associated Hereditary Breast and Ovarian Cancer; Hereditary breast and/or ovarian cancer syndrome. Identifiers: Orphanet 145, MedGen C0677776, MeSH D061325, MONDO:0003582. Disease mechanism: loss of function.

Submissions (2):

Labcorp Genetics (formerly Invitae), Labcorp
Classification: Uncertain significance for Hereditary breast ovarian cancer syndrome. Last evaluated: 2024-11-16. Review status: criteria provided, single submitter. Criteria: Invitae Variant Classification Sherloc (09022015). Collection method: clinical testing. Allele origin: germline.
Comment: This sequence change replaces lysine, which is basic and polar, with asparagine, which is neutral and polar, at codon 1678 of the BRCA2 protein (p.Lys1678Asn). This variant is not present in population databases (gnomAD no frequency). This variant has not been reported in the literature in individuals affected with BRCA2-related conditions. ClinVar contains an entry for this variant (Variation ID: 2007615). Invitae Evidence Modeling of protein sequence and biophysical properties (such as structural, functional, and spatial information, amino acid conservation, physicochemical variation, residue mobility, and thermodynamic stability) indicates that this missense variant is not expected to disrupt BRCA2 protein function with a negative predictive value of 95%. In summary, the available evidence is currently insufficient to determine the role of this variant in disease. Therefore, it has been classified as a Variant of Uncertain Significance.

University of Washington Department of Laboratory Medicine, University of Washington
Classification: Likely benign for Hereditary cancer-predisposing syndrome. Last evaluated: 2023-03-23. Review status: criteria provided, single submitter. Criteria: Dines et al. (Genet Med. 2020). Collection method: curation. Allele origin: germline.
Comment: Missense variant in a coldspot region where missense variants are very unlikely to be pathogenic (PMID:31911673).

BRCA2 exon 11 coldspot. Reclassification based on statistical prior probability.

NM_000059.4(BRCA2):c.5034A>T (p.Lys1678Asn)

Gene: BRCA2 (BRCA2 DNA repair associated; plus strand). Cytogenetic location: 13q13.1.
Variant type: single nucleotide variant.
Coding change: c.5034A>T on transcript NM_000059.4 (MANE Select); coding-DNA position 5034, A replaced by T.
Protein change: p.Lys1678Asn; replaces lysine 1678 with asparagine.
Molecular consequence: missense variant.
Genome position (GRCh38, 1-based): chr13:32,339,389, A>T. VCF-style: chr13-32339389-A-T. GRCh37 (hg19) VCF-style: chr13-32913526-A-T.
Other names: c.5034A>T, p.Lys1678Asn (NM_001406719.1, NM_001406720.1); short protein forms K1678N.
Identifiers: ClinVar variation 2007615 (VCV002007615.6), dbSNP rs2137513072, ClinGen allele CA387783989.